The following is an entry in ClinVar:

ClinVar aggregate classification (germline): Uncertain significance. Review status: criteria provided, multiple submitters, no conflicts (2 of 4 stars). 3 submissions from 3 submitters: Uncertain significance (3). Last evaluated 2024-11-18.

Conditions:
Hypertrophic cardiomyopathy. Also called: HYPERTROPHIC MYOCARDIOPATHY. Identifiers: Orphanet 217569, MedGen C0007194, MeSH D002312, MONDO:0005045, HP:0001639.
Cardiomyopathy (CMYO). Also called: Cardiomyopathies. Identifiers: Orphanet 167848, MedGen C0878544, MONDO:0004994, HP:0001638. Inheritance: Various modes of inheritance.

gnomAD v4.1: 13 of 1,614,092 alleles (0.00081%); highest among the groups gnomAD compares: Non-Finnish European, 0.0011%; no homozygotes.

Submissions (3):

Color Diagnostics, LLC DBA Color Health
Classification: Uncertain significance for Cardiomyopathy. Last evaluated: 2024-11-18. Review status: criteria provided, single submitter. Criteria: ACMG Guidelines, 2015. Collection method: clinical testing. Allele origin: germline.
Comment: This missense variant replaces arginine with proline at codon 94 of the MYL3 protein. Computational prediction tool is inconclusive regarding the impact of this variant on protein structure and function. To our knowledge, functional studies have not been reported for this variant. This variant has not been reported in individuals affected with MYL3-related disorders in the literature. This variant has not been identified in the general population by the Genome Aggregation Database (gnomAD). A different variant affecting the same codon, p.Arg94His, is considered to be disease-causing (ClinVar variation ID: 31777), suggesting that arginine at this position is important for MYL3 protein function. The available evidence is insufficient to determine the role of this variant in disease conclusively. Therefore, this variant is classified as a Variant of Uncertain Significance.

All of Us Research Program, National Institutes of Health
Classification: Uncertain significance for Hypertrophic cardiomyopathy. Last evaluated: 2024-08-03. Review status: criteria provided, single submitter. Criteria: ACMG Guidelines, 2015. Collection method: clinical testing. Allele origin: germline. Inheritance: Autosomal dominant inheritance. Observed: 1 variant allele, 1 heterozygote.
Comment: This study involves interpretation of variants in research participants for the purpose of population health screening. Participant phenotype was not available at the time of variant classification. Additional details can be found in publication PMID: 35346344, PMCID: PMC8962531

Labcorp Genetics (formerly Invitae), Labcorp
Classification: Uncertain significance for Hypertrophic cardiomyopathy. Last evaluated: 2022-06-10. Review status: criteria provided, single submitter. Criteria: Invitae Variant Classification Sherloc (09022015). Collection method: clinical testing. Allele origin: germline.
Comment: In summary, the available evidence is currently insufficient to determine the role of this variant in disease. Therefore, it has been classified as a Variant of Uncertain Significance. This variant disrupts the p.Arg94 amino acid residue in MYL3. Other variant(s) that disrupt this residue have been determined to be pathogenic (PMID: 18409188, 23283745, 26443374, 27532257, 29398688). This suggests that this residue is clinically significant, and that variants that disrupt this residue are likely to be disease-causing. Algorithms developed to predict the effect of missense changes on protein structure and function are either unavailable or do not agree on the potential impact of this missense change (SIFT: "Tolerated"; PolyPhen-2: "Possibly Damaging"; Align-GVGD: "Class C0"). This variant has not been reported in the literature in individuals affected with MYL3-related conditions. This variant is not present in population databases (gnomAD no frequency). This sequence change replaces arginine, which is basic and polar, with proline, which is neutral and non-polar, at codon 94 of the MYL3 protein (p.Arg94Pro).

Literature cited by the submitters: PubMed 18409188 (cited by Labcorp Genetics (formerly Invitae), Labcorp); PubMed 23283745 (cited by Labcorp Genetics (formerly Invitae), Labcorp); PubMed 26443374 (cited by Labcorp Genetics (formerly Invitae), Labcorp); PubMed 27532257 (cited by Labcorp Genetics (formerly Invitae), Labcorp); PubMed 29398688 (cited by Labcorp Genetics (formerly Invitae), Labcorp).

NM_000258.3(MYL3):c.281G>C (p.Arg94Pro)

Gene: MYL3 (myosin light chain 3; minus strand). Cytogenetic location: 3p21.31.
Variant type: single nucleotide variant.
Coding change: c.281G>C on transcript NM_000258.3 (MANE Select); coding-DNA position 281, G replaced by C.
Protein change: p.Arg94Pro; replaces arginine 94 with proline.
Molecular consequence: missense variant.
Genome position (GRCh38, 1-based): chr3:46,860,702, C>G on the plus strand (G>C on the coding strand, the complement: MYL3 is on the minus strand). VCF-style: chr3-46860702-C-G. GRCh37 (hg19) VCF-style: chr3-46902192-C-G.
Other names: c.281G>C, p.Arg94Pro (NM_001406937.1, NM_001406938.1, NM_001406939.1); c.107G>C, p.Arg36Pro (NM_001406940.1, NM_001406941.1); short protein forms R36P, R94P.
Identifiers: ClinVar variation 2058934 (VCV002058934.6), dbSNP rs199474703, ClinGen allele CA352497878.